The following is an entry in ClinVar:

ClinVar aggregate classification (germline): Conflicting classifications of pathogenicity. Review status: criteria provided, conflicting classifications (1 of 4 stars). 2 submissions from 2 submitters: Likely pathogenic (1); Uncertain significance (1). Last evaluated 2022-08-19.

Allele frequency attached by ClinVar (database versions not stated): gnomAD 0.00001; TOPMed 0.00001.
gnomAD v4.1: 4 of 1,614,022 alleles (0.00025%); highest among the groups gnomAD compares: African/African-American, 0.0013%; no homozygotes.

Submissions (2):

Labcorp Genetics (formerly Invitae), Labcorp
Classification: Uncertain significance. Last evaluated: 2022-08-19. Review status: criteria provided, single submitter. Criteria: Invitae Variant Classification Sherloc (09022015). Collection method: clinical testing. Allele origin: germline.
Comment: This missense change has been observed in individuals with multicentric osteolysis (PMID: 24637309, 29620724). In summary, the available evidence is currently insufficient to determine the role of this variant in disease. Therefore, it has been classified as a Variant of Uncertain Significance. This variant disrupts the p.Asp180 amino acid residue in MMP2. Other variant(s) that disrupt this residue have been observed in individuals with MMP2-related conditions (PMID: 22876575), which suggests that this may be a clinically significant amino acid residue. Algorithms developed to predict the effect of missense changes on protein structure and function are either unavailable or do not agree on the potential impact of this missense change (SIFT: "Tolerated"; PolyPhen-2: "Possibly Damaging"; Align-GVGD: "Class C0"). ClinVar contains an entry for this variant (Variation ID: 191067). This variant is not present in population databases (gnomAD no frequency). This sequence change replaces aspartic acid, which is acidic and polar, with asparagine, which is neutral and polar, at codon 180 of the MMP2 protein (p.Asp180Asn).

Genomic Medicine Center of Excellence, King Faisal Specialist Hospital and Research Centre
Classification: Likely pathogenic. Review status: criteria provided, single submitter. Criteria: ACMG Guidelines, 2015. Collection method: research. Allele origin: germline. Affected: yes.

Literature cited by the submitters: PubMed 24637309 (cited by Labcorp Genetics (formerly Invitae), Labcorp); PubMed 29620724 (cited by Labcorp Genetics (formerly Invitae), Labcorp); PubMed 22876575 (cited by Labcorp Genetics (formerly Invitae), Labcorp).

NM_004530.6(MMP2):c.538G>A (p.Asp180Asn)

Gene: MMP2 (matrix metallopeptidase 2; plus strand). Cytogenetic location: 16q12.2.
Variant type: single nucleotide variant.
Coding change: c.538G>A on transcript NM_004530.6 (MANE Select); coding-DNA position 538, G replaced by A.
Protein change: p.Asp180Asn; replaces aspartic acid 180 with asparagine.
Molecular consequence: missense variant.
Genome position (GRCh38, 1-based): chr16:55,485,307, G>A. VCF-style: chr16-55485307-G-A. GRCh37 (hg19) VCF-style: chr16-55519219-G-A.
Other names: c.388G>A, p.Asp130Asn (NM_001127891.3); c.310G>A, p.Asp104Asn (NM_001302508.1, NM_001302509.2, NM_001302510.2); short protein forms D180N, D104N, D130N.
Identifiers: ClinVar variation 191067 (VCV000191067.6), dbSNP rs786205497, ClinGen allele CA235949.
Genomic context (GRCh38, chr16:55,485,307, plus strand): 5'-TTTCAGGGTCTAGGTGGCACAGCTAGACGCTAAGACCCAGTGTGTGTTTCAGAGCATGGC[G>A]ATGGATACCCCTTTGACGGTAAGGACGGACTCCTGGCTCATGCCTTCGCCCCAGGCACTG-3'
Protein context (NP_004521.1, residues 170-190): MINFGRWEHG[Asp180Asn]GYPFDGKDGL